The following is an entry in ClinVar:

NM_001142864.4(PIEZO1):c.3793G>A (p.Asp1265Asn)

Gene: PIEZO1 (piezo type mechanosensitive ion channel component 1 (Er blood group); minus strand). Cytogenetic location: 16q24.3.
Variant type: single nucleotide variant.
Coding change: c.3793G>A on transcript NM_001142864.4 (MANE Select); coding-DNA position 3793, G replaced by A.
Protein change: p.Asp1265Asn; replaces aspartic acid 1265 with asparagine.
Molecular consequence: missense variant.
Genome position (GRCh38, 1-based): chr16:88,726,550, C>T on the plus strand (G>A on the coding strand, the complement: PIEZO1 is on the minus strand). VCF-style: chr16-88726550-C-T. GRCh37 (hg19) VCF-style: chr16-88792958-C-T.
Other names: p.Asp1265Asn; short protein forms D1265N.
Identifiers: ClinVar variation 788460 (VCV000788460.32), dbSNP rs570106950, ClinGen allele CA8232363.
Genomic context (GRCh38, chr16:88,726,550, plus strand): 5'-GGCCCAGGAGCAGGGGGCTTCCCCACGCCCTCCCCCGCCACCGTCCTGGCCACTCACGGT[C>T]ATAGTAGCCCTTGACGGTGCATACAAGGCTGAAGAGCTGGATGACCCAGCAGAAGCCGGT-3'
Protein context (NP_001136336.2, residues 1255-1275): SLVCTVKGYY[Asp1265Asn]PKEMMDRDQD

ClinVar aggregate classification (germline): Conflicting classifications of pathogenicity. Review status: criteria provided, conflicting classifications (1 of 4 stars). 8 submissions from 8 submitters: Uncertain significance (2); Likely benign (5). 1 of the submissions does not count toward it. Last evaluated 2026-07-24.

Conditions:
Inborn genetic diseases. Identifiers: MedGen C0950123, MeSH D030342.
PIEZO1-related disorder. Also called: PIEZO1-related condition; PIEZO1-Related Disorders.

Allele frequency attached by ClinVar (database versions not stated): gnomAD exomes 0.00033; ExAC 0.00043; 1000 Genomes Project 0.00080; 1000 Genomes Project 30x 0.00109; gnomAD 0.00126 and 0.00136; TOPMed 0.00173.
gnomAD v4.1: 371 of 1,549,564 alleles (0.024%); highest among the groups gnomAD compares: African/African-American, 0.47%; 1 homozygote.

Submissions (8):

GeneDx
Classification: Uncertain significance. Last evaluated: 2026-07-24. Review status: criteria provided, single submitter. Criteria: GeneDx Variant Classification Process June 2021. Collection method: clinical testing. Allele origin: germline.
Comment: In silico analysis supports that this missense variant does not alter protein structure/function; Has not been previously published as pathogenic or benign to our knowledge

Labcorp Genetics (formerly Invitae), Labcorp
Classification: Likely benign. Last evaluated: 2025-12-24. Review status: criteria provided, single submitter. Criteria: Invitae Variant Classification Sherloc (09022015). Collection method: clinical testing. Allele origin: germline.

ARUP Laboratories, Molecular Genetics and Genomics, ARUP Laboratories
Classification: Likely benign. Last evaluated: 2025-05-14. Review status: criteria provided, single submitter. Criteria: ARUP Molecular Germline Variant Investigation Process 2024. Collection method: clinical testing. Allele origin: germline.

CeGaT Center for Human Genetics Tuebingen
Classification: Likely benign. Last evaluated: 2025-03-01. Review status: criteria provided, single submitter. Criteria: CeGaT Center For Human Genetics Tuebingen Variant Classification Criteria Version 2. Collection method: clinical testing. Allele origin: germline. Affected: yes. Observed: 1 variant allele.
Comment: PIEZO1: BP4

Mayo Clinic Laboratories, Mayo Clinic
Classification: Likely benign. Last evaluated: 2024-11-06. Review status: criteria provided, single submitter. Criteria: ACMG Guidelines, 2015. Collection method: clinical testing. Allele origin: germline. Observed: 3 variant alleles.
Comment: BP4

Ambry Genetics
Classification: Uncertain significance for Inborn genetic diseases. Last evaluated: 2024-06-22. Review status: criteria provided, single submitter. Criteria: Ambry Variant Classification Scheme 2023. Collection method: clinical testing. Allele origin: germline.

Revvity Omics, Revvity
Classification: Likely benign. Last evaluated: 2023-09-26. Review status: criteria provided, single submitter. Criteria: ACMG Guidelines, 2015. Collection method: clinical testing. Allele origin: germline.

PreventionGenetics, part of Exact Sciences
Classification: Likely benign for PIEZO1-related condition. Last evaluated: 2020-07-20. Review status: no assertion criteria provided. Collection method: clinical testing. Allele origin: germline. Not counted in ClinVar's aggregate classification.
Comment: This variant is classified as likely benign based on ACMG/AMP sequence variant interpretation guidelines (Richards et al. 2015 PMID: 25741868, with internal and published modifications).